The following is an entry in ClinVar:

NC_000016.10:g.(?_88856738)_(88856897_?)del

Genes: GALNS (galactosamine (N-acetyl)-6-sulfatase; minus strand), TRAPPC2L (trafficking protein particle complex subunit 2L; plus strand), LOC130059762 (ATAC-STARR-seq lymphoblastoid silent region 7883; plus strand). Cytogenetic location: 16q24.3.
Variant type: Deletion.
Identifiers: ClinVar variation 528327 (VCV000528327.1).

ClinVar aggregate classification (germline): Pathogenic (1 of 4 stars; one submission).

Conditions:
Mucopolysaccharidosis, MPS-IV-A (MPS4A). Also called: Mucopolysaccharidosis Type IVA; GALACTOSAMINE-6-SULFATASE DEFICIENCY; GALNS DEFICIENCY; MORQUIO A DISEASE; MPS IVA; Morquio syndrome A, mild. Identifiers: Orphanet 309297, Orphanet 582, MedGen C0086651, MONDO:0009659, OMIM 253000.

Submission:

Labcorp Genetics (formerly Invitae), Labcorp
Classification: Pathogenic for Mucopolysaccharidosis, MPS-IV-A. Last evaluated: 2018-05-26. Review status: criteria provided, single submitter. Criteria: Invitae Variant Classification Sherloc (09022015). Collection method: clinical testing. Allele origin: germline.
Comment: This variant is a gross deletion of the genomic region encompassing exon 1 of the GALNS gene, which includes the initiator codon. The 5' end of this event is unknown as it extends beyond the assayed region for this gene and therefore may encompass additional genes. The 3' boundary is likely confined to intron 1 of the GALNS gene. This is expected to result in an absent or disrupted protein product. This variant has not been reported in the literature in individuals with GALNS-related disease. Loss-of-function variants in GALNS are known to be pathogenic (PMID: 12442278). For these reasons, this variant has been classified as Pathogenic.